The following is an entry in ClinVar:

ClinVar aggregate classification (germline): Benign/Likely benign. Review status: criteria provided, multiple submitters, no conflicts (2 of 4 stars). 5 submissions from 5 submitters: Benign (1); Likely benign (4). Last evaluated 2025-02-02.

Conditions:
Fanconi anemia complementation group N. Also called: PALB2-Related Fanconi Anemia. Identifiers: Orphanet 84, MedGen C1835817, MONDO:0012565, OMIM 610832. Disease mechanism: loss of function.
Familial cancer of breast. Also called: BREAST CANCER, FAMILIAL; Hereditary breast cancer; hereditary breast carcinoma. Identifiers: Orphanet 227535, MedGen C0346153, MONDO:0016419, OMIM 114480. Disease mechanism: loss of function.
Pancreatic cancer, susceptibility to, 3. Identifiers: Orphanet 1333, MedGen C3150547, MONDO:0013236, OMIM 613348.
Hereditary cancer-predisposing syndrome. Also called: Tumor predisposition; Neoplastic Syndromes, Hereditary; Hereditary Cancer Syndrome; Hereditary neoplastic syndrome. Identifiers: Orphanet 140162, MedGen C0027672, MeSH D009386, MONDO:0015356.

Allele frequency attached by ClinVar (database versions not stated): gnomAD exomes below 0.00001.
gnomAD v4.1: 1 of 1,614,034 alleles (0.000062%); highest among the groups gnomAD compares: Admixed American, 0.0017%; no homozygotes.

Submissions (5):

Labcorp Genetics (formerly Invitae), Labcorp
Classification: Likely benign for Familial cancer of breast. Last evaluated: 2025-02-02. Review status: criteria provided, single submitter. Criteria: Invitae Variant Classification Sherloc (09022015). Collection method: clinical testing. Allele origin: germline.

Myriad Genetics, Inc.
Classification: Benign for Familial cancer of breast. Last evaluated: 2025-01-09. Review status: criteria provided, single submitter. Criteria: Myriad Autosomal Dominant, Autosomal Recessive and X-Linked Classification Criteria (2023). Collection method: clinical testing. Allele origin: unknown.
Comment: This variant is considered benign. This variant is a silent/synonymous amino acid change and it is not expected to impact splicing.

Ambry Genetics
Classification: Likely benign for Hereditary cancer-predisposing syndrome. Last evaluated: 2024-12-22. Review status: criteria provided, single submitter. Criteria: Ambry Variant Classification Scheme 2023. Collection method: clinical testing. Allele origin: germline.

Fulgent Genetics
Classification: Likely benign for Familial cancer of breast; Fanconi anemia complementation group N; Pancreatic cancer, susceptibility to, 3. Last evaluated: 2022-04-05. Review status: criteria provided, single submitter. Criteria: ACMG Guidelines, 2015. Collection method: clinical testing. Allele origin: unknown.

Color Diagnostics, LLC DBA Color Health
Classification: Likely benign for Hereditary cancer-predisposing syndrome. Last evaluated: 2018-08-14. Review status: criteria provided, single submitter. Criteria: ACMG Guidelines, 2015. Collection method: clinical testing. Allele origin: germline.

NM_024675.4(PALB2):c.168T>C (p.Asp56=)

Gene: PALB2 (partner and localizer of BRCA2; minus strand). Cytogenetic location: 16p12.2.
Variant type: single nucleotide variant.
Coding change: c.168T>C on transcript NM_024675.4 (MANE Select); coding-DNA position 168, T replaced by C.
Protein change: p.Asp56=; no amino-acid change (aspartic acid 56 retained).
Molecular consequence: synonymous variant.
Genome position (GRCh38, 1-based): chr16:23,637,893, A>G on the plus strand (T>C on the coding strand, the complement: PALB2 is on the minus strand). VCF-style: chr16-23637893-A-G. GRCh37 (hg19) VCF-style: chr16-23649214-A-G.
Identifiers: ClinVar variation 629043 (VCV000629043.15), dbSNP rs1203135643, ClinGen allele CA494167591.